The following is an entry in ClinVar:

ClinVar aggregate classification (germline): Likely benign. Review status: criteria provided, single submitter (1 of 4 stars). 2 submissions from 2 submitters: Likely benign (1). 1 of the submissions does not count toward it. Last evaluated 2025-02-27.

Conditions:
UNC80-related disorder. Also called: UNC80-related condition.
Inborn genetic diseases. Identifiers: MedGen C0950123, MeSH D030342.

Allele frequency attached by ClinVar (database versions not stated): ExAC 0.00041; TOPMed 0.00085; gnomAD 0.00087; gnomAD exomes 0.00139.
gnomAD v4.1: 2,088 of 1,551,750 alleles (0.13%); highest among the groups gnomAD compares: Non-Finnish European, 0.17%; 2 homozygotes.

Submissions (2):

Ambry Genetics
Classification: Likely benign for Inborn genetic diseases. Last evaluated: 2025-02-27. Review status: criteria provided, single submitter. Criteria: Ambry Variant Classification Scheme 2023. Collection method: clinical testing. Allele origin: germline.

PreventionGenetics, part of Exact Sciences
Classification: Likely benign for UNC80-related condition. Last evaluated: 2022-09-22. Review status: no assertion criteria provided. Collection method: clinical testing. Allele origin: germline. Not counted in ClinVar's aggregate classification.
Comment: This variant is classified as likely benign based on ACMG/AMP sequence variant interpretation guidelines (Richards et al. 2015 PMID: 25741868, with internal and published modifications).

NM_001371986.1(UNC80):c.1020G>T (p.Gln340His)

Gene: UNC80 (unc-80 homolog, NALCN channel complex subunit; plus strand). Cytogenetic location: 2q34.
Variant type: single nucleotide variant.
Coding change: c.1020G>T on transcript NM_001371986.1 (MANE Select); coding-DNA position 1020, G replaced by T.
Protein change: p.Gln340His; replaces glutamine 340 with histidine.
Molecular consequence: missense variant.
Genome position (GRCh38, 1-based): chr2:209,813,661, G>T. VCF-style: chr2-209813661-G-T. GRCh37 (hg19) VCF-style: chr2-210678385-G-T.
Other names: c.1020G>T, p.Gln340His (NM_032504.2, NM_182587.4); short protein forms Q340H.
Identifiers: ClinVar variation 3048298 (VCV003048298.3), dbSNP rs201456301, ClinGen allele CA2082895.
Genomic context (GRCh38, chr2:209,813,661, plus strand): 5'-GTGCCAAAGGTCCCGCTATGCCACCTACTTTGACGTTGCTGTTCTGCGCTGCCTACTTCA[G>T]CCCCATTGGTCTGAGGAAGGCACTCAGTGGTCTCTGATGTACTATCTACAAAGGCTGCGA-3'
Protein context (NP_001358915.1, residues 330-350): FDVAVLRCLL[Gln340His]PHWSEEGTQW